The following is an entry in ClinVar:

ClinVar aggregate classification (germline): Uncertain significance. Review status: criteria provided, multiple submitters, no conflicts (2 of 4 stars). 3 submissions from 3 submitters: Uncertain significance (3). Last evaluated 2026-06-24.

Conditions:
Long QT syndrome (LQTS). Identifiers: MedGen C0023976, MeSH D008133, MONDO:0002442. Disease mechanism: loss of function. Inheritance: Various modes of inheritance.
Cardiovascular phenotype. Identifiers: MedGen CN230736.

Allele frequency attached by ClinVar (database versions not stated): gnomAD 0.00001; ESP Exome Variant Server 0.00008; gnomAD exomes below 0.00001; TOPMed below 0.00001; ExAC 0.00001.
gnomAD v4.1: 5 of 1,613,932 alleles (0.00031%); highest among the groups gnomAD compares: Non-Finnish European, 0.00042%; no homozygotes.

Submissions (3):

Ambry Genetics
Classification: Uncertain significance for Cardiovascular phenotype. Last evaluated: 2026-06-24. Review status: criteria provided, single submitter. Criteria: Ambry Variant Classification Scheme 2023. Collection method: clinical testing. Allele origin: germline.
Comment: The c.7535A>T (p.D2512V) alteration is located in exon 38 (coding exon 38) of the ANK2 gene. This alteration results from a A to T substitution at nucleotide position 7535, causing the aspartic acid (D) at amino acid position 2512 to be replaced by a valine (V). Based on data from gnomAD, the T allele has an overall frequency of <0.001% (1/250658) total alleles studied. The highest observed frequency was 0.001% (1/113048) of European (non-Finnish) alleles. Based on insufficient or conflicting evidence, the clinical significance of this alteration remains unclear.

Labcorp Genetics (formerly Invitae), Labcorp
Classification: Uncertain significance for Long QT syndrome. Last evaluated: 2024-10-24. Review status: criteria provided, single submitter. Criteria: Invitae Variant Classification Sherloc (09022015). Collection method: clinical testing. Allele origin: germline.
Comment: This sequence change replaces aspartic acid, which is acidic and polar, with valine, which is neutral and non-polar, at codon 2512 of the ANK2 protein (p.Asp2512Val). This variant is present in population databases (rs367601671, gnomAD 0.0009%). This variant has not been reported in the literature in individuals affected with ANK2-related conditions. ClinVar contains an entry for this variant (Variation ID: 1759402). An algorithm developed to predict the effect of missense changes on protein structure and function (PolyPhen-2) suggests that this variant is likely to be disruptive. In summary, the available evidence is currently insufficient to determine the role of this variant in disease. Therefore, it has been classified as a Variant of Uncertain Significance.

GeneDx
Classification: Uncertain significance. Last evaluated: 2022-08-10. Review status: criteria provided, single submitter. Criteria: GeneDx Variant Classification Process June 2021. Collection method: clinical testing. Allele origin: germline. Affected: yes.
Comment: Not observed at significant frequency in large population cohorts (gnomAD); In silico analysis supports that this missense variant has a deleterious effect on protein structure/function; Has not been previously published as pathogenic or benign to our knowledge

NM_001148.6(ANK2):c.7535A>T (p.Asp2512Val)

Genes: ANK2 (ankyrin 2; plus strand), LOC126807137 (CDK7 strongly-dependent group 2 enhancer GRCh37_chr4:114276560-114277759; plus strand). Cytogenetic location: 4q26.
Variant type: single nucleotide variant.
Coding change: c.7535A>T on transcript NM_001148.6 (MANE Select); coding-DNA position 7535, A replaced by T.
Protein change: p.Asp2512Val; replaces aspartic acid 2512 with valine.
Molecular consequence: missense variant. On other transcripts: intron variant (68).
Genome position (GRCh38, 1-based): chr4:113,356,153, A>T. VCF-style: chr4-113356153-A-T. GRCh37 (hg19) VCF-style: chr4-114277309-A-T.
Other names: c.7301A>T, p.Asp2434Val (NM_001386142.1); c.3935A>T, p.Asp1312Val (NM_001386166.1); c.7676A>T, p.Asp2559Val (NM_001386174.1); c.7652A>T, p.Asp2551Val (NM_001386175.1); c.4412-4670A>T (NM_001386186.2, NM_001386148.2); c.4214-4670A>T (NM_001354269.3); c.4292-4670A>T (NM_001386187.2); c.4253-4670A>T (NM_001386147.1); and 35 more; short protein forms D2434V, D1312V, D2551V, D2559V, D2512V.
Identifiers: ClinVar variation 1759402 (VCV001759402.7), dbSNP rs367601671, ClinGen allele CA3051609.
Genomic context (GRCh38, chr4:113,356,153, plus strand): 5'-CTGTTGCCAAAACAGAACTCTTGACGGAAGTGGCCTCTGTGCGGTCCCGGCTACTCCGAG[A>T]CCCTGATGGCAGTGCTGAGGATGACAGTCTTGAGCAGACATCGCTCATGGAGAGCTCAGG-3'
Protein context (NP_001139.3, residues 2502-2522): VASVRSRLLR[Asp2512Val]PDGSAEDDSL